The following is an entry in ClinVar:

NM_001100913.3(PACS2):c.584C>T (p.Thr195Met)

Gene: PACS2 (phosphofurin acidic cluster sorting protein 2; plus strand). Cytogenetic location: 14q32.33.
Variant type: single nucleotide variant.
Coding change: c.584C>T on transcript NM_001100913.3 (MANE Select); coding-DNA position 584, C replaced by T.
Protein change: p.Thr195Met; replaces threonine 195 with methionine.
Molecular consequence: missense variant.
Genome position (GRCh38, 1-based): chr14:105,367,373, C>T. VCF-style: chr14-105367373-C-T. GRCh37 (hg19) VCF-style: chr14-105833710-C-T.
Other names: c.383C>T, p.Thr128Met (NM_001243127.3); c.584C>T, p.Thr195Met (NM_015197.4); c.584C>T (NM_001100913.2); short protein forms T128M, T195M.
Identifiers: ClinVar variation 1405392 (VCV001405392.7), dbSNP rs1379927163, ClinGen allele CA391174069.
Genomic context (GRCh38, chr14:105,367,373, plus strand): 5'-CCAGCCAGCCCATTGACCACGAAGACAGCACCATGCAGGCCGGCCCCAAGGCCAAGTCCA[C>T]GGGTGAGTGTGGTGCCAGCCCGCTCCTGCCCCTGCTGTGGGGAGGCCCTGCCTTCCAGCC-3'
Protein context (NP_001094383.2, residues 185-205): TMQAGPKAKS[Thr195Met]DNYSEEEYES

ClinVar aggregate classification (germline): Uncertain significance. Review status: criteria provided, multiple submitters, no conflicts (2 of 4 stars). 2 submissions from 2 submitters: Uncertain significance (2). Last evaluated 2026-05-12.

Conditions:
Inborn genetic diseases. Identifiers: MedGen C0950123, MeSH D030342.

Allele frequency attached by ClinVar (database versions not stated): TOPMed 0.00001; gnomAD exomes below 0.00001.
gnomAD v4.1: 4 of 1,612,892 alleles (0.00025%); highest among the groups gnomAD compares: Non-Finnish European, 0.00034%; no homozygotes.

Submissions (2):

Ambry Genetics
Classification: Uncertain significance for Inborn genetic diseases. Last evaluated: 2026-05-12. Review status: criteria provided, single submitter. Criteria: Ambry Variant Classification Scheme 2023. Collection method: clinical testing. Allele origin: germline.

Labcorp Genetics (formerly Invitae), Labcorp
Classification: Uncertain significance. Last evaluated: 2025-11-17. Review status: criteria provided, single submitter. Criteria: Invitae Variant Classification Sherloc (09022015). Collection method: clinical testing. Allele origin: germline.
Comment: This sequence change replaces threonine, which is neutral and polar, with methionine, which is neutral and non-polar, at codon 195 of the PACS2 protein (p.Thr195Met). This variant is not present in population databases (gnomAD no frequency). This variant has not been reported in the literature in individuals affected with PACS2-related conditions. ClinVar contains an entry for this variant (Variation ID: 1405392). An algorithm developed to predict the effect of missense changes on protein structure and function (PolyPhen-2) suggests that this variant is likely to be disruptive. In summary, the available evidence is currently insufficient to determine the role of this variant in disease. Therefore, it has been classified as a Variant of Uncertain Significance.